The following is an entry in ClinVar:

ClinVar aggregate classification (germline): Uncertain significance (1 of 4 stars; one submission).

gnomAD v4.1: 1 of 1,549,232 alleles (0.000065%); highest among the groups gnomAD compares: Non-Finnish European, 0.000087%; no homozygotes.

Submission:

Labcorp Genetics (formerly Invitae), Labcorp
Classification: Uncertain significance. Last evaluated: 2024-03-27. Review status: criteria provided, single submitter. Criteria: Invitae Variant Classification Sherloc (09022015). Collection method: clinical testing. Allele origin: germline.
Comment: This sequence change replaces valine, which is neutral and non-polar, with leucine, which is neutral and non-polar, at codon 91 of the DTHD1 protein (p.Val91Leu). This variant is not present in population databases (gnomAD no frequency). This variant has not been reported in the literature in individuals affected with DTHD1-related conditions. An algorithm developed to predict the effect of missense changes on protein structure and function (PolyPhen-2) suggests that this variant is likely to be disruptive. In summary, the available evidence is currently insufficient to determine the role of this variant in disease. Therefore, it has been classified as a Variant of Uncertain Significance.

NM_001170700.3(DTHD1):c.1141G>C (p.Val381Leu)

Gene: DTHD1 (death domain containing 1; plus strand). Cytogenetic location: 4p14.
Variant type: single nucleotide variant.
Coding change: c.1141G>C on transcript NM_001170700.3 (MANE Select); coding-DNA position 1141, G replaced by C.
Protein change: p.Val381Leu; replaces valine 381 with leucine.
Molecular consequence: missense variant. On other transcripts: non-coding transcript variant (2).
Genome position (GRCh38, 1-based): chr4:36,290,626, G>C. VCF-style: chr4-36290626-G-C. GRCh37 (hg19) VCF-style: chr4-36292248-G-C.
Other names: c.271G>C, p.Val91Leu (NM_001136536.5, NM_001378435.1); short protein forms V91L, V381L.
Identifiers: ClinVar variation 3686209 (VCV003686209.2).